The following is an entry in ClinVar:

NM_001277115.2(DNAH11):c.7811+1G>C

Gene: DNAH11 (dynein axonemal heavy chain 11; plus strand). Cytogenetic location: 7p15.3.
Variant type: single nucleotide variant.
Coding change: c.7811+1G>C on transcript NM_001277115.2 (MANE Select); the canonical splice donor site of the intron after coding-DNA position 7811, G replaced by C.
Molecular consequence: splice donor variant.
Genome position (GRCh38, 1-based): chr7:21,738,867, G>C. VCF-style: chr7-21738867-G-C. GRCh37 (hg19) VCF-style: chr7-21778485-G-C.
Identifiers: ClinVar variation 2895637 (VCV002895637.3), dbSNP rs1306120659, ClinGen allele CA366950737.

ClinVar aggregate classification (germline): Likely pathogenic (1 of 4 stars; one submission).

Conditions:
Primary ciliary dyskinesia. Also called: Ciliary dyskinesia. Identifiers: Orphanet 244, MedGen C0008780, MONDO:0016575, HP:0012265.

Allele frequency attached by ClinVar (database versions not stated): TOPMed below 0.00001; gnomAD 0.00001.
gnomAD v4.1: 1 of 1,587,844 alleles (0.000063%); highest among the groups gnomAD compares: Non-Finnish European, 0.000086%; no homozygotes.

Submission:

Labcorp Genetics (formerly Invitae), Labcorp
Classification: Likely pathogenic for Primary ciliary dyskinesia. Last evaluated: 2022-12-02. Review status: criteria provided, single submitter. Criteria: Invitae Variant Classification Sherloc (09022015). Collection method: clinical testing. Allele origin: germline.
Comment: This variant has not been reported in the literature in individuals affected with DNAH11-related conditions. In summary, the currently available evidence indicates that the variant is pathogenic, but additional data are needed to prove that conclusively. Therefore, this variant has been classified as Likely Pathogenic. Algorithms developed to predict the effect of sequence changes on RNA splicing suggest that this variant may disrupt the consensus splice site. This variant is not present in population databases (gnomAD no frequency). This sequence change affects a donor splice site in intron 47 of the DNAH11 gene. It is expected to disrupt RNA splicing. Variants that disrupt the donor or acceptor splice site typically lead to a loss of protein function (PMID: 16199547), and loss-of-function variants in DNAH11 are known to be pathogenic (PMID: 18022865, 20513915, 22184204).

Literature cited by the submitters: PubMed 16199547; PubMed 18022865; PubMed 20513915; PubMed 22184204.